The following is an entry in ClinVar:

ClinVar aggregate classification (germline): Uncertain significance (1 of 4 stars; one submission).

Submission:

ISCA site 4
Classification: Uncertain significance. Last evaluated: 2011-08-12. Review status: criteria provided, single submitter. Criteria: Kaminsky et al. (Genet Med. 2011). Collection method: clinical testing. Allele origin: unknown. Affected: yes. Observed: 1 variant allele.
Comment: Copy number variation identified through the course of routine clinical cytogenomic testing in postnatal populations. Clinical assertions have been curated as described in Kaminsky et al. 2011.

GRCh38/hg38 3p26.3(chr3:868334-1341994)x1

Genes: CNTN6 (contactin 6; plus strand), LOC126806587 (BRD4-independent group 4 enhancer GRCh37_chr3:1277185-1278384; plus strand). Cytogenetic location: 3p26.3.
Variant type: copy number loss.
Change: copy number 1 (one copy instead of two) of chr3:868,334-1,341,994 (473.7 kb, GRCh38 coordinates, 1-based), cytogenetic band 3p26.3.
Identifiers: ClinVar variation 161030 (VCV000161030.1).